The following is an entry in ClinVar:

ClinVar aggregate classification (germline): Conflicting classifications of pathogenicity. Review status: criteria provided, conflicting classifications (1 of 4 stars). 5 submissions from 5 submitters: Uncertain significance (2); Likely benign (3). Last evaluated 2026-06-16.

Conditions:
USH2A-related disorder. Also called: USH2A-related disorders; USH2A-related condition. Identifiers: MedGen CN239332.

Allele frequency attached by ClinVar (database versions not stated): gnomAD exomes below 0.00001; TOPMed below 0.00001.
gnomAD v4.1: 7 of 1,614,074 alleles (0.00043%); highest among the groups gnomAD compares: Non-Finnish European, 0.00059%; no homozygotes.

Submissions (5):

PreventionGenetics, part of Exact Sciences
Classification: Uncertain significance for USH2A-related condition. Last evaluated: 2026-06-16. Review status: criteria provided, single submitter. Criteria: ACMG Guidelines, 2015. Collection method: clinical testing. Allele origin: germline.
Comment: The USH2A c.8709C>T variant is not predicted to result in an amino acid change (p.=). This variant has been reported in an individual with Usher syndrome along with a truncating variant in the gene (Table S1, Reurink et al. 2021. PubMed ID: 34203967). A minigene assay was used to determine that the variant results in an in-frame deletion of 39 nucleotides (Reurink et al. 2021. PubMed ID: 34203967). This variant has not been reported in a large population database (gnomAD), indicating this variant is rare. Although we suspect that this variant may be pathogenic, at this time, the clinical significance of this variant is uncertain due to the absence of conclusive functional and genetic evidence.

Labcorp Genetics (formerly Invitae), Labcorp
Classification: Likely benign. Last evaluated: 2024-04-13. Review status: criteria provided, single submitter. Criteria: Invitae Variant Classification Sherloc (09022015). Collection method: clinical testing. Allele origin: germline.

Blueprint Genetics
Classification: Likely benign. Last evaluated: 2022-08-15. Review status: criteria provided, single submitter. Criteria: ACMG Guidelines, 2015. Collection method: clinical testing. Allele origin: germline.

Eurofins Ntd Llc (ga)
Classification: Uncertain significance. Last evaluated: 2016-07-19. Review status: criteria provided, single submitter. Criteria: EGL Classification Definitions 2015. Collection method: clinical testing. Allele origin: germline. Observed: 1 variant allele, 1 heterozygote.

Laboratory for Molecular Medicine, Mass General Brigham Personalized Medicine
Classification: Likely benign. Last evaluated: 2012-02-08. Review status: criteria provided, single submitter. Criteria: LMM Criteria. Collection method: clinical testing. Allele origin: germline. Observed: 1 variant allele.
Comment: Phe2903Phe in exon 44 of USH2A: This variant is not expected to have clinical si gnificance because it does not alter an amino acid residue and is not located wi thin the splice consensus sequence.

NM_206933.4(USH2A):c.8709C>T (p.Phe2903=)

Gene: USH2A (usherin; minus strand). Cytogenetic location: 1q41.
Variant type: single nucleotide variant.
Coding change: c.8709C>T on transcript NM_206933.4 (MANE Select); coding-DNA position 8709, C replaced by T.
Protein change: p.Phe2903=; no amino-acid change (phenylalanine 2903 retained).
Molecular consequence: synonymous variant.
Genome position (GRCh38, 1-based): chr1:215,867,143, G>A on the plus strand (C>T on the coding strand, the complement: USH2A is on the minus strand). VCF-style: chr1-215867143-G-A. GRCh37 (hg19) VCF-style: chr1-216040485-G-A.
Identifiers: ClinVar variation 48608 (VCV000048608.22), dbSNP rs397518040, ClinGen allele CA143638.
Genomic context (GRCh38, chr1:215,867,143, plus strand): 5'-ACCAGCTAACGTTGTCACAGTCACTTCTCGGCTCGGTGTAAAACCCACACTGTTGTGTAC[G>A]AAGAGCATATATTCATAGGTTGTAAACCTAAAATGTTGTTTTGTTAAAAAAAGTATATGA-3'
Protein context (NP_996816.3, residues 2893-2913): SRFTTYEYML[Phe2903=]VHNSVGFTPS